The following is an entry in ClinVar:

NM_002471.4(MYH6):c.3206T>A (p.Met1069Lys)

Gene: MYH6 (myosin heavy chain 6; minus strand). Cytogenetic location: 14q11.2.
Variant type: single nucleotide variant.
Coding change: c.3206T>A on transcript NM_002471.4 (MANE Select); coding-DNA position 3206, T replaced by A.
Protein change: p.Met1069Lys; replaces methionine 1069 with lysine.
Molecular consequence: missense variant.
Genome position (GRCh38, 1-based): chr14:23,392,957, A>T on the plus strand (T>A on the coding strand, the complement: MYH6 is on the minus strand). VCF-style: chr14-23392957-A-T. GRCh37 (hg19) VCF-style: chr14-23862166-A-T.
Other names: short protein forms M1069K.
Identifiers: ClinVar variation 1443566 (VCV001443566.8), dbSNP rs2138597373, ClinGen allele CA389009122.
Genomic context (GRCh38, chr14:23,392,957, plus strand): 5'-ACCACAGTCTCCTACTTCTTAAGCTTTTCTTCCAGCTGCAGTTTATCATTTTCCAGGTCC[A>T]TGATGCTCTCCTGGGTCAGCTTCAGGTCGCCCTCCAGTTTCCGCTTTGCTCGCTCCAGGT-3'
Protein context (NP_002462.2, residues 1059-1079): GDLKLTQESI[Met1069Lys]DLENDKLQLE

ClinVar aggregate classification (germline): Uncertain significance (1 of 4 stars; one submission).

Conditions:
Hypertrophic cardiomyopathy 14. Identifiers: MedGen C2750467, MONDO:0013197, OMIM 613251.

Submission:

Labcorp Genetics (formerly Invitae), Labcorp
Classification: Uncertain significance for Hypertrophic cardiomyopathy 14. Last evaluated: 2021-04-12. Review status: criteria provided, single submitter. Criteria: Invitae Variant Classification Sherloc (09022015). Collection method: clinical testing. Allele origin: germline.
Comment: Algorithms developed to predict the effect of missense changes on protein structure and function are either unavailable or do not agree on the potential impact of this missense change (SIFT: "Tolerated"; PolyPhen-2: "Probably Damaging"; Align-GVGD: "Class C0"). In summary, the available evidence is currently insufficient to determine the role of this variant in disease. Therefore, it has been classified as a Variant of Uncertain Significance. This variant has not been reported in the literature in individuals with MYH6-related conditions. This variant is not present in population databases (ExAC no frequency). This sequence change replaces methionine with lysine at codon 1069 of the MYH6 protein (p.Met1069Lys). The methionine residue is weakly conserved and there is a moderate physicochemical difference between methionine and lysine.